The following is an entry in ClinVar:

ClinVar aggregate classification (germline): Pathogenic. Review status: criteria provided, multiple submitters, no conflicts (2 of 4 stars). 3 submissions from 3 submitters: Pathogenic (2). 1 of the submissions does not count toward it. Last evaluated 2024-11-26.

Conditions:
SLC13A5-related disorder. Also called: SLC13A5-related condition.
Developmental and epileptic encephalopathy, 25 (DEE25). Also called: Epileptic encephalopathy, early infantile, 25; Developmental and epileptic encephalopathy 25, with amelogenesis imperfecta; Epileptic encephalopathy, early infantile, 25, with amelogenesis imperfecta. Identifiers: Orphanet 442835, MedGen C4014621, MONDO:0014392, OMIM 615905.

Allele frequency attached by ClinVar (database versions not stated): gnomAD exomes below 0.00001.

Submissions (3):

Blueprint Genetics
Classification: Pathogenic for SLC13A5-related disorders. Last evaluated: 2024-11-26. Review status: criteria provided, single submitter. Criteria: ACMG Guidelines, 2015. Collection method: clinical testing. Allele origin: germline. Affected: yes. Observed: 3 variant alleles.

Labcorp Genetics (formerly Invitae), Labcorp
Classification: Pathogenic for Developmental and epileptic encephalopathy, 25. Last evaluated: 2024-02-06. Review status: criteria provided, single submitter. Criteria: Invitae Variant Classification Sherloc (09022015). Collection method: clinical testing. Allele origin: germline.
Comment: This sequence change creates a premature translational stop signal (p.Pro407Argfs*12) in the SLC13A5 gene. It is expected to result in an absent or disrupted protein product. Loss-of-function variants in SLC13A5 are known to be pathogenic (PMID: 24995870, 26384929). This variant is not present in population databases (gnomAD no frequency). This premature translational stop signal has been observed in individual(s) with clinical features of epileptic encephalopathy (PMID: 26384929). In at least one individual the data is consistent with being in trans (on the opposite chromosome) from a pathogenic variant. It has also been observed to segregate with disease in related individuals. ClinVar contains an entry for this variant (Variation ID: 218172). For these reasons, this variant has been classified as Pathogenic.

OMIM
Classification: Pathogenic for DEVELOPMENTAL AND EPILEPTIC ENCEPHALOPATHY 25 WITH AMELOGENESIS IMPERFECTA. Last evaluated: 2015-11-01. Review status: no assertion criteria provided. Collection method: literature only. Allele origin: germline. Not counted in ClinVar's aggregate classification.

Literature cited by the submitters: PubMed 24995870 (cited by Labcorp Genetics (formerly Invitae), Labcorp); PubMed 26384929 (cited by Labcorp Genetics (formerly Invitae), Labcorp and OMIM).

NM_177550.5(SLC13A5):c.1207_1217dup (p.Pro407fs)

Gene: SLC13A5 (solute carrier family 13 member 5; minus strand). Cytogenetic location: 17p13.1.
Variant type: Duplication.
Coding change: c.1207_1217dup on transcript NM_177550.5 (MANE Select); coding-DNA positions 1207 to 1217, 11 bases duplicated (CAGGAGAAAGT).
Protein change: p.Pro407fs; shifts the reading frame from proline 407.
Molecular consequence: frameshift variant.
Genome position (GRCh38, 1-based): chr17:6,693,102-6,693,112, ACTTTCTCCTG duplicated on the plus strand (CAGGAGAAAGT on the coding strand, the reverse complement: SLC13A5 is on the minus strand). VCF-style (leftmost placement, unchanged base first): chr17-6693101-C-CACTTTCTCCTG. GRCh37 (hg19) VCF-style: chr17-6596420-C-CACTTTCTCCTG.
Other names: c.1207_1217dup, p.Pro407fs (NM_001143838.3); c.1156_1166dup, p.Pro390fs (NM_001284509.2); c.1078_1088dup, p.Pro364fs (NM_001284510.2); short protein forms P407fs, P364fs, P390fs.
Identifiers: ClinVar variation 218172 (VCV000218172.14), dbSNP rs863225447, ClinGen allele CA279901.